The following is an entry in ClinVar:

ClinVar aggregate classification (germline): Uncertain significance (1 of 4 stars; one submission).

Conditions:
Early-infantile DEE. Also called: Ohtahara syndrome; Early infantile epileptic encephalopathy; Early infantile epileptic encephalopathy with suppression bursts. Identifiers: Orphanet 1934, MedGen C0393706, MONDO:0800491.

Submission:

Labcorp Genetics (formerly Invitae), Labcorp
Classification: Uncertain significance for Early-infantile DEE. Last evaluated: 2023-02-27. Review status: criteria provided, single submitter. Criteria: Invitae Variant Classification Sherloc (09022015). Collection method: clinical testing. Allele origin: germline.
Comment: In summary, the available evidence is currently insufficient to determine the role of this variant in disease. Therefore, it has been classified as a Variant of Uncertain Significance. Advanced modeling of protein sequence and biophysical properties (such as structural, functional, and spatial information, amino acid conservation, physicochemical variation, residue mobility, and thermodynamic stability) has been performed at Invitae for this missense variant, however the output from this modeling did not meet the statistical confidence thresholds required to predict the impact of this variant on SPTAN1 protein function. This variant has not been reported in the literature in individuals affected with SPTAN1-related conditions. This variant is not present in population databases (gnomAD no frequency). This sequence change replaces alanine, which is neutral and non-polar, with valine, which is neutral and non-polar, at codon 877 of the SPTAN1 protein (p.Ala877Val).

NM_001130438.3(SPTAN1):c.2630C>T (p.Ala877Val)

Gene: SPTAN1 (spectrin alpha, non-erythrocytic 1; plus strand). Cytogenetic location: 9q34.11.
Variant type: single nucleotide variant.
Coding change: c.2630C>T on transcript NM_001130438.3 (MANE Select); coding-DNA position 2630, C replaced by T.
Protein change: p.Ala877Val; replaces alanine 877 with valine.
Molecular consequence: missense variant.
Genome position (GRCh38, 1-based): chr9:128,585,817, C>T. VCF-style: chr9-128585817-C-T. GRCh37 (hg19) VCF-style: chr9-131348096-C-T.
Other names: c.2630C>T, p.Ala877Val (NM_003127.4, NM_001195532.2, NM_001363759.2 and 5 more transcripts); c.2666C>T, p.Ala889Val (NM_001375312.2, NM_001375318.1); short protein forms A877V, A889V.
Identifiers: ClinVar variation 2985418 (VCV002985418.3), dbSNP rs2541239164, ClinGen allele CA375058197.